The following is an entry in ClinVar:

NM_153704.6(TMEM67):c.1353del (p.Glu452fs)

Gene: TMEM67 (transmembrane protein 67; plus strand). Cytogenetic location: 8q22.1.
Variant type: Deletion.
Coding change: c.1353del on transcript NM_153704.6 (MANE Select); coding-DNA position 1353, one base deleted (A; older notation c.1353delA).
Protein change: p.Glu452fs; shifts the reading frame from glutamic acid 452.
Molecular consequence: frameshift variant. On other transcripts: non-coding transcript variant (1).
Genome position (GRCh38, 1-based): chr8:93,786,287, A deleted. VCF-style (leftmost placement, unchanged base first): chr8-93786286-GA-G. GRCh37 (hg19) VCF-style: chr8-94798514-GA-G.
Other names: c.1110delA (NM_001142301.1); c.1110del, p.Glu371fs (NM_001142301.1); short protein forms E371fs, E452fs.
Identifiers: ClinVar variation 225493 (VCV000225493.6), dbSNP rs749435317, ClinGen allele CA4807936.

ClinVar aggregate classification (germline): Pathogenic/Likely pathogenic. Review status: criteria provided, multiple submitters, no conflicts (2 of 4 stars). 5 submissions from 5 submitters: Pathogenic (3); Likely pathogenic (2). Last evaluated 2025-12-31.

Conditions:
Joubert syndrome 6 (JBTS6). Identifiers: Orphanet 475, MedGen C1853153, MONDO:0012539, OMIM 610688.
Bardet-Biedl syndrome (BBS). Identifiers: Orphanet 110, MedGen C0752166, MONDO:0015229.
COACH syndrome 1. Identifiers: Orphanet 1454, MedGen C5435651, MONDO:0800103, OMIM 216360, MONDO:0008996.
RHYNS syndrome. Also called: RETINITIS PIGMENTOSA SYNDROME; RETINITIS PIGMENTOSA, HYPOPITUITARISM, NEPHRONOPHTHISIS, AND MILD SKELETAL DYSPLASIA. Identifiers: Orphanet 140976, MedGen C1865794, MONDO:0011202, OMIM 602152.
Nephronophthisis 11 (NPHP11). Identifiers: Orphanet 84081, MedGen C3150796, MONDO:0013302, OMIM 613550.
Meckel syndrome, type 3 (MKS3). Also called: MECKEL-GRUBER SYNDROME, TYPE 3. Identifiers: Orphanet 564, MedGen C1846357, MONDO:0011821, OMIM 607361.
Bardet-Biedl syndrome 14 (BBS14). Identifiers: Orphanet 110, MedGen C2673874, MONDO:0014442, OMIM 615991.
Meckel-Gruber syndrome. Also called: Dysencephalia splachnocystica; DYSENCEPHALIA SPLANCHNOCYSTICA; GRUBER SYNDROME. Identifiers: Orphanet 564, MedGen C0265215, MONDO:0018921.
Joubert syndrome. Also called: CEREBELLOPARENCHYMAL DISORDER IV; JOUBERT-BOLTSHAUSER SYNDROME; Familial aplasia of the vermis. Identifiers: Orphanet 475, MedGen C5979921, MONDO:0018772.

Allele frequency attached by ClinVar (database versions not stated): gnomAD exomes 0.00001 and below 0.00001; ExAC 0.00002; TOPMed below 0.00001.

Submissions (5):

Labcorp Genetics (formerly Invitae), Labcorp
Classification: Pathogenic for Joubert syndrome; Meckel-Gruber syndrome. Last evaluated: 2025-12-31. Review status: criteria provided, single submitter. Criteria: Invitae Variant Classification Sherloc (09022015). Collection method: clinical testing. Allele origin: germline.
Comment: This sequence change creates a premature translational stop signal (p.Glu452Lysfs*4) in the TMEM67 gene. It is expected to result in an absent or disrupted protein product. Loss-of-function variants in TMEM67 are known to be pathogenic (PMID: 20232449, 23559409). This variant is present in population databases (rs749435317, gnomAD 0.02%). This premature translational stop signal has been observed in individual(s) with nephronophthisis (PMID: 27491411). ClinVar contains an entry for this variant (Variation ID: 225493). For these reasons, this variant has been classified as Pathogenic.

Fulgent Genetics
Classification: Pathogenic for COACH syndrome 1; RHYNS syndrome; Meckel syndrome, type 3; Joubert syndrome 6; Nephronophthisis 11; Bardet-Biedl syndrome 14. Last evaluated: 2024-04-29. Review status: criteria provided, single submitter. Criteria: ACMG Guidelines, 2015. Collection method: clinical testing. Allele origin: germline.

3billion
Classification: Pathogenic for Joubert syndrome 6. Last evaluated: 2023-08-30. Review status: criteria provided, single submitter. Criteria: ACMG Guidelines, 2015. Collection method: clinical testing. Allele origin: germline. Affected: yes.
Comment: The variant is observed at an extremely low frequency in the gnomAD v2.1.1 dataset (total allele frequency: 0.001%). Predicted Consequence/Location: Frameshift: predicted to result in a loss or disruption of normal protein function through nonsense-mediated decay (NMD) or protein truncation. Multiple pathogenic variants are reported downstream of the variant. The variant has been reported to be associated with TMEM67 related disorder (ClinVar ID: VCV000225493 /PMID: 27491411). Therefore, this variant is classified as Pathogenic according to the recommendation of ACMG/AMP guideline.

Medical Genetics Center, Maternal and Child Health Hospital of Hubei Province
Classification: Likely pathogenic for Meckel syndrome, type 3. Last evaluated: 2021-11-18. Review status: criteria provided, single submitter. Criteria: ACMG Guidelines, 2015. Collection method: clinical testing. Allele origin: paternal. Affected: yes.

Soonchunhyang University Bucheon Hospital, Soonchunhyang University Medical Center
Classification: Likely pathogenic for Bardet-Biedl syndrome 1; COACH syndrome 1; Joubert syndrome 6. Last evaluated: 2016-03-18. Review status: criteria provided, single submitter. Criteria: ACMG Guidelines, 2015. Collection method: reference population. Allele origin: germline. Observed: 1 variant allele.

Literature cited by the submitters: PubMed 20232449 (cited by Labcorp Genetics (formerly Invitae), Labcorp); PubMed 23559409 (cited by Labcorp Genetics (formerly Invitae), Labcorp); PubMed 27491411 (cited by 3 submitters); PubMed 16415887 (cited by Soonchunhyang University Bucheon Hospital, Soonchunhyang University Medical Center).